The following is an entry in ClinVar:

NM_006904.7(PRKDC):c.1586A>C (p.Asp529Ala)

Gene: PRKDC (protein kinase, DNA-activated, catalytic subunit; minus strand). Cytogenetic location: 8q11.21.
Variant type: single nucleotide variant.
Coding change: c.1586A>C on transcript NM_006904.7 (MANE Select); coding-DNA position 1586, A replaced by C.
Protein change: p.Asp529Ala; replaces aspartic acid 529 with alanine.
Molecular consequence: missense variant.
Genome position (GRCh38, 1-based): chr8:47,934,002, T>G on the plus strand (A>C on the coding strand, the complement: PRKDC is on the minus strand). VCF-style: chr8-47934002-T-G. GRCh37 (hg19) VCF-style: chr8-48846562-T-G.
Other names: c.1586A>C, p.Asp529Ala (NM_001081640.2); short protein forms D529A.
Identifiers: ClinVar variation 2564546 (VCV002564546.2), dbSNP rs559652396, ClinGen allele CA176165744.

ClinVar aggregate classification (germline): Uncertain significance (1 of 4 stars; one submission).

Allele frequency attached by ClinVar (database versions not stated): 1000 Genomes Project 30x 0.00016; 1000 Genomes Project 0.00020.
gnomAD v4.1: 1 of 1,613,406 alleles (0.000062%); highest among the groups gnomAD compares: Admixed American, 0.0017%; no homozygotes.

Submission:

Ambry Genetics
Classification: Uncertain significance. Last evaluated: 2023-05-04. Review status: criteria provided, single submitter. Criteria: Ambry Variant Classification Scheme 2023. Collection method: clinical testing. Allele origin: germline.
Comment: The p.D529A variant (also known as c.1586A>C), located in coding exon 15 of the PRKDC gene, results from an A to C substitution at nucleotide position 1586. The aspartic acid at codon 529 is replaced by alanine, an amino acid with dissimilar properties. This amino acid position is conserved. In addition, this alteration is predicted to be tolerated by in silico analysis. Since supporting evidence is limited at this time, the clinical significance of this alteration remains unclear.